The following is an entry in ClinVar:

NM_002880.4(RAF1):c.457G>C (p.Asp153His)

Gene: RAF1 (Raf-1 proto-oncogene, serine/threonine kinase; minus strand). Cytogenetic location: 3p25.2.
Variant type: single nucleotide variant.
Coding change: c.457G>C on transcript NM_002880.4 (MANE Select); coding-DNA position 457, G replaced by C.
Protein change: p.Asp153His; replaces aspartic acid 153 with histidine.
Molecular consequence: missense variant. On other transcripts: non-coding transcript variant (3).
Genome position (GRCh38, 1-based): chr3:12,608,890, C>G on the plus strand (G>C on the coding strand, the complement: RAF1 is on the minus strand). VCF-style: chr3-12608890-C-G. GRCh37 (hg19) VCF-style: chr3-12650389-C-G.
Other names: c.214G>C, p.Asp72His (NM_001354695.3, NM_001354691.3, NM_001354692.3 and 1 more transcripts); c.457G>C, p.Asp153His (NM_001354689.3, NM_001354690.3, NM_001354693.3); short protein forms D72H, D153H.
Identifiers: ClinVar variation 1489854 (VCV001489854.8), dbSNP rs2059121734, ClinGen allele CA351517520.
Genomic context (GRCh38, chr3:12,608,890, plus strand): 5'-GAAATTTGTAGCCACAAGTCTGACATCGAAATCCATTGAGCAGGAATTTCTGACAGATGT[C>G]ACAGAAGGCAAGCTTCAGGAACGTCTTCCGAGCCTACAACAAGAACACAGGTGTAAATTA-3'
Protein context (NP_002871.1, residues 143-163): RKTFLKLAFC[Asp153His]ICQKFLLNGF

ClinVar aggregate classification (germline): Uncertain significance (1 of 4 stars; one submission).

Conditions:
RASopathy. Also called: Noonan spectrum disorder; rasopathies. Identifiers: Orphanet 536391, MedGen C5555857, MONDO:0021060.

Submission:

Labcorp Genetics (formerly Invitae), Labcorp
Classification: Uncertain significance for RASopathy. Last evaluated: 2024-05-20. Review status: criteria provided, single submitter. Criteria: Invitae Variant Classification Sherloc (09022015). Collection method: clinical testing. Allele origin: germline.
Comment: This sequence change replaces aspartic acid, which is acidic and polar, with histidine, which is basic and polar, at codon 153 of the RAF1 protein (p.Asp153His). This variant is not present in population databases (gnomAD no frequency). This variant has not been reported in the literature in individuals affected with RAF1-related conditions. ClinVar contains an entry for this variant (Variation ID: 1489854). Advanced modeling of protein sequence and biophysical properties (such as structural, functional, and spatial information, amino acid conservation, physicochemical variation, residue mobility, and thermodynamic stability) performed at Invitae indicates that this missense variant is expected to disrupt RAF1 protein function with a positive predictive value of 95%. In summary, the available evidence is currently insufficient to determine the role of this variant in disease. Therefore, it has been classified as a Variant of Uncertain Significance.